The following is an entry in ClinVar:

ClinVar aggregate classification (germline): Likely pathogenic (1 of 4 stars; one submission).

Conditions:
UDPglucose-4-epimerase deficiency. Also called: UDP-GALACTOSE-4-EPIMERASE DEFICIENCY; Galactose epimerase deficiency; UDPglucose 4-Epimerase Deficiency Disease; GALACTOSEMIA III; GALE DEFICIENCY; Epimerase Deficiency Galactosemia. Identifiers: Orphanet 352, Orphanet 79238, MedGen C0751161, MONDO:0009257, OMIM 230350.

Allele frequency attached by ClinVar (database versions not stated): gnomAD exomes below 0.00001; ExAC 0.00001.
gnomAD v4.1: 5 of 1,614,040 alleles (0.00031%); highest among the groups gnomAD compares: East Asian, 0.0045%; no homozygotes.

Submission:

Labcorp Genetics (formerly Invitae), Labcorp
Classification: Likely pathogenic for UDPglucose-4-epimerase deficiency. Last evaluated: 2023-04-08. Review status: criteria provided, single submitter. Criteria: Invitae Variant Classification Sherloc (09022015). Collection method: clinical testing. Allele origin: germline.
Comment: Algorithms developed to predict the effect of sequence changes on RNA splicing suggest that this variant may disrupt the consensus splice site. In summary, the currently available evidence indicates that the variant is pathogenic, but additional data are needed to prove that conclusively. Therefore, this variant has been classified as Likely Pathogenic. This sequence change affects a donor splice site in intron 6 of the GALE gene. It is expected to disrupt RNA splicing. Variants that disrupt the donor or acceptor splice site typically lead to a loss of protein function (PMID: 16199547), and loss-of-function variants in GALE are known to be pathogenic (PMID: 16301867). The frequency data for this variant in the population databases is considered unreliable, as metrics indicate poor data quality at this position in the gnomAD database. This variant has not been reported in the literature in individuals affected with GALE-related conditions.

Literature cited by the submitters: PubMed 16199547; PubMed 16301867.

NM_001008216.2(GALE):c.528+1G>A

Gene: GALE (UDP-galactose-4-epimerase; minus strand). Cytogenetic location: 1p36.11.
Variant type: single nucleotide variant.
Coding change: c.528+1G>A on transcript NM_001008216.2 (MANE Select); the canonical splice donor site of the intron after coding-DNA position 528, G replaced by A.
Molecular consequence: splice donor variant.
Genome position (GRCh38, 1-based): chr1:23,797,694, C>T on the plus strand (G>A on the coding strand, the complement: GALE is on the minus strand). VCF-style: chr1-23797694-C-T. GRCh37 (hg19) VCF-style: chr1-24124184-C-T.
Other names: c.528+1G>A (NM_000403.4, NM_001127621.2).
Identifiers: ClinVar variation 2785850 (VCV002785850.3), dbSNP rs758564937, ClinGen allele CA685650.